The following is an entry in ClinVar:

ClinVar aggregate classification (germline): Benign/Likely benign. Review status: criteria provided, multiple submitters, no conflicts (2 of 4 stars). 10 submissions from 10 submitters: Benign (8); Likely benign (1). 1 of the submissions does not count toward it. Last evaluated 2026-02-03.

Conditions:
GPC3-related disorder. Also called: GPC3-related condition.
Inborn genetic diseases. Identifiers: MedGen C0950123, MeSH D030342.
Simpson-Golabi-Behmel syndrome type 1 (SGBS1). Also called: BULLDOG SYNDROME; GPC3-Related Simpson-Golabi-Behmel Syndrome Type 1; DYSPLASIA GIGANTISM SYNDROME, X-LINKED; GOLABI-ROSEN SYNDROME; SIMPSON DYSMORPHIA SYNDROME. Identifiers: Orphanet 373, MedGen C0796154, MONDO:0020602, OMIM 312870.
Wilms tumor 1 (WT1). Also called: Wilms tumor, somatic. Identifiers: Orphanet 654, MedGen CN033288, MONDO:0008679, OMIM 194070.

Allele frequency attached by ClinVar (database versions not stated): ExAC 0.00399; 1000 Genomes Project 0.00848; 1000 Genomes Project 30x 0.00937; gnomAD 0.01085 and 0.01163; TOPMed 0.01229; ESP Exome Variant Server 0.01467.
gnomAD v4.1: 2,426 of 1,207,011 alleles (0.2%); highest among the groups gnomAD compares: African/African-American, 3.6%; 31 homozygotes.

Submissions (19):

Labcorp Genetics (formerly Invitae), Labcorp
Classification: Benign for Wilms tumor 1. Last evaluated: 2026-02-03. Review status: criteria provided, single submitter. Criteria: Invitae Variant Classification Sherloc (09022015). Collection method: clinical testing. Allele origin: germline.

Blueprint Genetics
Classification: Likely benign. Last evaluated: 2024-11-26. Review status: criteria provided, single submitter. Criteria: ACMG Guidelines, 2015. Collection method: clinical testing. Allele origin: germline.

KCCC/NGS Laboratory, Kuwait Cancer Control Center
Classification: Benign for Simpson-Golabi-Behmel syndrome type 1. Last evaluated: 2023-07-07. Review status: criteria provided, single submitter. Criteria: ACMG Guidelines, 2015. Collection method: clinical testing. Allele origin: germline. Affected: yes.

Mayo Clinic Laboratories, Mayo Clinic
Classification: Benign. Last evaluated: 2018-07-31. Review status: criteria provided, single submitter. Criteria: ACMG Guidelines, 2015. Collection method: clinical testing. Allele origin: germline. Observed: 5 variant alleles.

GeneDx
Classification: Benign. Last evaluated: 2017-09-05. Review status: criteria provided, single submitter. Criteria: GeneDx Variant Classification (06012015). Collection method: clinical testing. Allele origin: germline. Affected: yes.
Comment: This variant is considered likely benign or benign based on one or more of the following criteria: it is a conservative change, it occurs at a poorly conserved position in the protein, it is predicted to be benign by multiple in silico algorithms, and/or has population frequency not consistent with disease.

Athena Diagnostics
Classification: Benign. Last evaluated: 2016-10-17. Review status: criteria provided, single submitter. Criteria: Athena Diagnostics Criteria. Collection method: clinical testing. Allele origin: germline.

Ambry Genetics
Classification: Benign for Inborn genetic diseases. Last evaluated: 2016-07-25. Review status: criteria provided, single submitter. Criteria: Ambry Variant Classification Scheme 2023. Collection method: clinical testing. Allele origin: germline.

Women's Health and Genetics/Laboratory Corporation of America, LabCorp
Classification: Benign. Last evaluated: 2016-05-05. Review status: criteria provided, single submitter. Criteria: LabCorp Variant Classification Summary - May 2015. Collection method: clinical testing. Allele origin: germline.
Comment: Variant summary: The c.204G>A variant affects a conserved nucleotide, resulting in a synonymous change. 5/5 splice-tools in Alamut predict that this variant does not affect normal splicing, however, these predictions are not confirmed by experimental studies. This variant is found in 350/87746 control chromosomes (4 homozygotes, 86 hemizygotes) at a frequency of 0.0039888, which is about 63821 times of the maximal expected frequency of a pathogenic allele (0.0000001), strong evidence that this variant is benign. The variant of interest has not, to our knowledge, been reported in affected individuals via publications and/or reputable databases/clinical laboratories; nor evaluated for functional impact by in vivo/vitro studies. Taken together, this variant was classified as benign.

Breakthrough Genomics
Classification: Benign. Review status: criteria provided, single submitter. Criteria: ACMG Guidelines, 2015. Collection method: not provided. Allele origin: germline. Inheritance: X-linked inheritance. Affected: yes.

PreventionGenetics, part of Exact Sciences
Classification: Benign for GPC3-related condition. Last evaluated: 2019-03-21. Review status: no assertion criteria provided. Collection method: clinical testing. Allele origin: germline. Not counted in ClinVar's aggregate classification.
Comment: This variant is classified as benign based on ACMG/AMP sequence variant interpretation guidelines (Richards et al. 2015 PMID: 25741868, with internal and published modifications).

Dr. Peter K. Rogan Lab, Western University
No classification provided (evidence only). Condition: Lung cancer. Review status: no classification provided. Collection method: in vitro. Allele origin: not applicable. Functional consequence: retained intron. Not counted in ClinVar's aggregate classification.

Dr. Peter K. Rogan Lab, Western University
No classification provided (evidence only). Condition: Lung cancer. Review status: no classification provided. Collection method: in vitro. Allele origin: not applicable. Functional consequence: retained intron. Not counted in ClinVar's aggregate classification.

Dr. Peter K. Rogan Lab, Western University
No classification provided (evidence only). Condition: Thyroid cancer, nonmedullary, 1. Review status: no classification provided. Collection method: in vitro. Allele origin: not applicable. Functional consequence: retained intron. Not counted in ClinVar's aggregate classification.

Dr. Peter K. Rogan Lab, Western University
No classification provided (evidence only). Condition: Thyroid cancer, nonmedullary, 1. Review status: no classification provided. Collection method: in vitro. Allele origin: not applicable. Functional consequence: retained intron. Not counted in ClinVar's aggregate classification.

Dr. Peter K. Rogan Lab, Western University
No classification provided (evidence only). Condition: Thyroid cancer, nonmedullary, 1. Review status: no classification provided. Collection method: in vitro. Allele origin: not applicable. Functional consequence: retained intron. Not counted in ClinVar's aggregate classification.

Dr. Peter K. Rogan Lab, Western University
No classification provided (evidence only). Condition: Thyroid cancer, nonmedullary, 1. Review status: no classification provided. Collection method: in vitro. Allele origin: not applicable. Functional consequence: retained intron. Not counted in ClinVar's aggregate classification.

Dr. Peter K. Rogan Lab, Western University
No classification provided (evidence only). Condition: Cervical cancer. Review status: no classification provided. Collection method: in vitro. Allele origin: not applicable. Functional consequence: retained intron. Not counted in ClinVar's aggregate classification.

Dr. Peter K. Rogan Lab, Western University
No classification provided (evidence only). Condition: Cervical cancer. Review status: no classification provided. Collection method: in vitro. Allele origin: not applicable. Functional consequence: retained intron. Not counted in ClinVar's aggregate classification.

Dr. Peter K. Rogan Lab, Western University
No classification provided (evidence only). Condition: Gastric cancer. Review status: no classification provided. Collection method: in vitro. Allele origin: not applicable. Functional consequence: retained intron. Not counted in ClinVar's aggregate classification.

NM_004484.4(GPC3):c.204G>A (p.Lys68=)

Gene: GPC3 (glypican 3; minus strand). Cytogenetic location: Xq26.2.
Variant type: single nucleotide variant.
Coding change: c.204G>A on transcript NM_004484.4 (MANE Select); coding-DNA position 204, G replaced by A.
Protein change: p.Lys68=; no amino-acid change (lysine 68 retained).
Molecular consequence: synonymous variant. On other transcripts: intron variant (1).
Genome position (GRCh38, 1-based): chrX:133,953,183, C>T on the plus strand (G>A on the coding strand, the complement: GPC3 is on the minus strand). VCF-style: chrX-133953183-C-T. GRCh37 (hg19) VCF-style: chrX-133087210-C-T.
Other names: p.Lys68=; c.204G>A, p.Lys68= (NM_001164617.2, NM_001164618.2); c.175+32092G>A (NM_001164619.2).
Identifiers: ClinVar variation 415272 (VCV000415272.23), dbSNP rs61754632, ClinGen allele CA10520867.